The following is an entry in ClinVar:

ClinVar aggregate classification (germline): Benign/Likely benign. Review status: criteria provided, multiple submitters, no conflicts (2 of 4 stars). 8 submissions from 8 submitters: Benign (2); Likely benign (5). 1 of the submissions does not count toward it. Last evaluated 2026-01-12.

Conditions:
CACNA2D2-related disorder. Also called: CACNA2D2-related condition.
Early-infantile DEE. Also called: Ohtahara syndrome; Early infantile epileptic encephalopathy; Early infantile epileptic encephalopathy with suppression bursts. Identifiers: Orphanet 1934, MedGen C0393706, MONDO:0800491.
Cerebellar atrophy with seizures and variable developmental delay. Identifiers: MedGen C5193132, MONDO:0032788, OMIM 618501.
Inborn genetic diseases. Identifiers: MedGen C0950123, MeSH D030342.

Allele frequency attached by ClinVar (database versions not stated): 1000 Genomes Project 30x 0.00016; 1000 Genomes Project 0.00020; gnomAD exomes 0.00160 and 0.00308; ESP Exome Variant Server 0.00169; gnomAD 0.00180 and 0.00197; ExAC 0.00185; TOPMed 0.00212.
gnomAD v4.1: 4,554 of 1,544,380 alleles (0.29%); highest among the groups gnomAD compares: Non-Finnish European, 0.36%; 14 homozygotes.

Submissions (8):

Labcorp Genetics (formerly Invitae), Labcorp
Classification: Benign for Early-infantile DEE. Last evaluated: 2026-01-12. Review status: criteria provided, single submitter. Criteria: Invitae Variant Classification Sherloc (09022015). Collection method: clinical testing. Allele origin: germline.

Mayo Clinic Laboratories, Mayo Clinic
Classification: Benign. Last evaluated: 2025-02-03. Review status: criteria provided, single submitter. Criteria: ACMG Guidelines, 2015. Collection method: clinical testing. Allele origin: germline. Observed: 5 variant alleles.
Comment: BS1, BS2, BP4_moderate

Blueprint Genetics
Classification: Likely benign. Last evaluated: 2024-11-21. Review status: criteria provided, single submitter. Criteria: ACMG Guidelines, 2015. Collection method: clinical testing. Allele origin: germline.

Ambry Genetics
Classification: Likely benign for Inborn genetic diseases. Last evaluated: 2023-10-16. Review status: criteria provided, single submitter. Criteria: Ambry Variant Classification Scheme 2023. Collection method: clinical testing. Allele origin: germline.

CeGaT Center for Human Genetics Tuebingen
Classification: Likely benign. Last evaluated: 2022-06-01. Review status: criteria provided, single submitter. Criteria: CeGaT Center For Human Genetics Tuebingen Variant Classification Criteria Version 2. Collection method: clinical testing. Allele origin: germline. Affected: yes. Observed: 2 variant alleles.
Comment: CACNA2D2: BS2

Center for Genomics, Ann and Robert H. Lurie Children's Hospital of Chicago
Classification: Likely benign for Cerebellar atrophy with seizures and variable developmental delay. Last evaluated: 2022-01-12. Review status: criteria provided, single submitter. Criteria: ACMG Guidelines, 2015. Collection method: clinical testing. Allele origin: germline.
Comment: CACNA2D2 NM_006030.3 exon 38 p.Pro1133Leu (c.3398C>T): This variant has not been reported in the literature but is present in 0.3% (209/64570) of European alleles in the Genome Aggregation Database. This variant is present in ClinVar (Variation ID:240279). This variant amino acid (Leu) is present in several species, including the platypus and several non-mammals, and is not well conserved among evolutionarily distant species; this suggests that this variant may not impact the protein. However, additional computational prediction tools are unclear. In summary, data on this variant is insufficient for disease classification. Therefore, the clinical significance of this variant is uncertain.

Athena Diagnostics
Classification: Likely benign. Last evaluated: 2020-03-18. Review status: criteria provided, single submitter. Criteria: Athena Diagnostics Criteria. Collection method: clinical testing. Allele origin: unknown.

PreventionGenetics, part of Exact Sciences
Classification: Likely benign for CACNA2D2-related condition. Last evaluated: 2021-02-11. Review status: no assertion criteria provided. Collection method: clinical testing. Allele origin: germline. Not counted in ClinVar's aggregate classification.
Comment: This variant is classified as likely benign based on ACMG/AMP sequence variant interpretation guidelines (Richards et al. 2015 PMID: 25741868, with internal and published modifications).

NM_006030.4(CACNA2D2):c.3398C>T (p.Pro1133Leu)

Genes: CACNA2D2 (calcium voltage-gated channel auxiliary subunit alpha2delta 2; minus strand), LOC127898564 (CYB561D2-LOC101928965; plus strand). Cytogenetic location: 3p21.31.
Variant type: single nucleotide variant.
Coding change: c.3398C>T on transcript NM_006030.4 (MANE Select); coding-DNA position 3398, C replaced by T.
Protein change: p.Pro1133Leu; replaces proline 1133 with leucine.
Molecular consequence: missense variant.
Genome position (GRCh38, 1-based): chr3:50,364,700, G>A on the plus strand (C>T on the coding strand, the complement: CACNA2D2 is on the minus strand). VCF-style: chr3-50364700-G-A. GRCh37 (hg19) VCF-style: chr3-50402131-G-A.
Other names: p.Pro1133Leu; c.3419C>T (NM_001174051.1); c.3404C>T, p.Pro1135Leu (NM_001005505.3); c.3419C>T, p.Pro1140Leu (NM_001174051.3); c.3197C>T, p.Pro1066Leu (NM_001291101.1); short protein forms P1133L, P1140L, P1066L, P1135L.
Identifiers: ClinVar variation 240279 (VCV000240279.44), dbSNP rs150832847, ClinGen allele CA2418089.
Genomic context (GRCh38, chr3:50,364,700, plus strand): 5'-AGTGGAGGTGGGGTGGGGCAGGGTGCTCAGAGGCGGCGAGAGGCGTGGACGAGGACTTGA[G>A]GCTGCGGCCGGGGCGGCAGGCCCAGGAGGAGCAGCAGTTGCAGGGAGACCAGGACGCCCA-3'
Protein context (NP_006021.2, residues 1123-1143): LLLGLPPRPQ[Pro1133Leu]QVLVHASRRL